The following is an entry in ClinVar:

ClinVar aggregate classification (germline): Pathogenic (1 of 4 stars; one submission).

Conditions:
Familial thoracic aortic aneurysm and aortic dissection (TAAD). Also called: Thoracic aortic aneurysms and dissections. Identifiers: Orphanet 91387, MedGen C4707243, MONDO:0019625.

Submission:

Ambry Genetics
Classification: Pathogenic for Familial thoracic aortic aneurysm and aortic dissection. Last evaluated: 2021-02-02. Review status: criteria provided, single submitter. Criteria: Ambry Variant Classification Scheme 2023. Collection method: clinical testing. Allele origin: germline.
Comment: The c.41_42insTATCT pathogenic mutation, located in coding exon 1 of the TGFB2 gene, results from an insertion of 5 nucleotides at position 41, causing a translational frameshift with a predicted alternate stop codon (p.V15Ifs*33). The predicted stop codon occurs within the first 150 nucleotides of theTGFB2 gene. This alteration may escape nonsense-mediated mRNAdecay and/or be rescued by re-initiation (Rivas et al. Science. 2015 May 8;348(6235):666-9; Lindeboom et al. Nat Genet. 2016 Oct;48(10):1112-8; Rhee et al. Sci Rep. 2017 May 10;7(1):1653). However, the impacted region is critical for protein function (Ambry internal data). Based on the supporting evidence, this alteration is interpreted as a disease-causing mutation.

NM_003238.6(TGFB2):c.41_42insTATCT (p.Val15fs)

Gene: TGFB2 (transforming growth factor beta 2; plus strand). Cytogenetic location: 1q41.
Variant type: Insertion.
Coding change: c.41_42insTATCT on transcript NM_003238.6 (MANE Select); coding-DNA positions 41 to 42, TATCT inserted.
Protein change: p.Val15fs; shifts the reading frame from valine 15.
Molecular consequence: frameshift variant. On other transcripts: non-coding transcript variant (2).
Genome position: GRCh38 VCF-style: chr1-218346738-C-CATCTT. GRCh37 (hg19) VCF-style: chr1-218520080-C-CATCTT.
Other names: c.41_42insTATCT, p.Val15fs (NM_001135599.4); short protein forms V15fs.
Identifiers: ClinVar variation 1737850 (VCV001737850.2), dbSNP rs2464548369, ClinGen allele CA2580062181.